The following is an entry in ClinVar:

ClinVar aggregate classification (germline): Pathogenic. Review status: criteria provided, multiple submitters, no conflicts (2 of 4 stars). 2 submissions from 2 submitters: Pathogenic (2). Last evaluated 2025-09-10.

Conditions:
Nephronophthisis. Also called: Juvenile Nephronophthisis. Identifiers: Orphanet 655, MedGen C0687120, MONDO:0019005, HP:0000090.
Nephronophthisis 4 (NPHP4). Also called: NEPHRONOPHTHISIS 4, JUVENILE. Identifiers: Orphanet 655, MedGen C1847013, MONDO:0011752, OMIM 606966.

Submissions (2):

Genomic Medicine Center of Excellence, King Faisal Specialist Hospital and Research Centre
Classification: Pathogenic for Nephronophthisis 4. Last evaluated: 2025-09-10. Review status: criteria provided, single submitter. Criteria: ACMG Guidelines, 2015. Collection method: clinical testing. Allele origin: germline.

Labcorp Genetics (formerly Invitae), Labcorp
Classification: Pathogenic for Nephronophthisis. Last evaluated: 2025-01-15. Review status: criteria provided, single submitter. Criteria: Invitae Variant Classification Sherloc (09022015). Collection method: clinical testing. Allele origin: germline.
Comment: This sequence change affects a donor splice site in intron 19 of the NPHP4 gene. It is expected to disrupt RNA splicing. Variants that disrupt the donor or acceptor splice site typically lead to a loss of protein function (PMID: 16199547), and loss-of-function variants in NPHP4 are known to be pathogenic (PMID: 12205563, 23559409). This variant is present in population databases (rs374141736, gnomAD 0.0009%). Disruption of this splice site has been observed in individual(s) with clinical features of NPHP4-related conditions (internal data). In at least one individual the data is consistent with being in trans (on the opposite chromosome) from a pathogenic variant. ClinVar contains an entry for this variant (Variation ID: 957231). Algorithms developed to predict the effect of sequence changes on RNA splicing suggest that this variant may disrupt the consensus splice site. For these reasons, this variant has been classified as Pathogenic.

Literature cited by the submitters: PubMed 16199547 (cited by Labcorp Genetics (formerly Invitae), Labcorp); PubMed 12205563 (cited by Labcorp Genetics (formerly Invitae), Labcorp); PubMed 23559409 (cited by Labcorp Genetics (formerly Invitae), Labcorp).

NM_015102.5(NPHP4):c.2611+1G>C

Gene: NPHP4 (nephrocystin 4; minus strand). Cytogenetic location: 1p36.31.
Variant type: single nucleotide variant.
Coding change: c.2611+1G>C on transcript NM_015102.5 (MANE Select); the canonical splice donor site of the intron after coding-DNA position 2611, G replaced by C.
Molecular consequence: splice donor variant.
Genome position (GRCh38, 1-based): chr1:5,880,113, C>G on the plus strand (G>C on the coding strand, the complement: NPHP4 is on the minus strand). VCF-style: chr1-5880113-C-G. GRCh37 (hg19) VCF-style: chr1-5940173-C-G.
Other names: c.1075+1G>C (NM_001291594.2); c.1072+1G>C (NM_001291593.2).
Identifiers: ClinVar variation 957231 (VCV000957231.8), dbSNP rs374141736, ClinGen allele CA554053.